The following is an entry in ClinVar:

NM_017714.3(TASP1):c.366A>G (p.Gly122=)

Gene: TASP1 (taspase 1; minus strand). Cytogenetic location: 20p12.1.
Variant type: single nucleotide variant.
Coding change: c.366A>G on transcript NM_017714.3 (MANE Select); coding-DNA position 366, A replaced by G.
Protein change: p.Gly122=; no amino-acid change (glycine 122 retained).
Molecular consequence: synonymous variant. On other transcripts: non-coding transcript variant (4), intron variant (1).
Genome position (GRCh38, 1-based): chr20:13,587,287, T>C on the plus strand (A>G on the coding strand, the complement: TASP1 is on the minus strand). VCF-style: chr20-13587287-T-C. GRCh37 (hg19) VCF-style: chr20-13567934-T-C.
Other names: c.60A>G, p.Gly20= (NM_001323603.2, NM_001323604.2); c.282+36159A>G (NM_001323602.2).
Identifiers: ClinVar variation 3051346 (VCV003051346.4), dbSNP rs143872568, ClinGen allele CA9766765.
Genomic context (GRCh38, chr20:13,587,287, plus strand): 5'-AGTAGGTCATAATGCCCACATACCACTCAGTGCTCCAACTGCTCCAAAATTTAAGGATTT[T>C]CCATCCATTATGCTGGCATCACACTCAATTTCACCTAACAGATTTAGATTAGATCCCATT-3'
Protein context (NP_060184.2, residues 112-132): EIECDASIMD[Gly122=]KSLNFGAVGA

ClinVar aggregate classification (germline): Likely benign. Review status: criteria provided, multiple submitters, no conflicts (2 of 4 stars). 3 submissions from 3 submitters: Likely benign (2). 1 of the submissions does not count toward it. Last evaluated 2026-10-01.

Conditions:
TASP1-related disorder. Also called: TASP1-related condition.

Allele frequency attached by ClinVar (database versions not stated): gnomAD exomes 0.00004; ExAC 0.00016; gnomAD 0.00033; TOPMed 0.00043; 1000 Genomes Project 30x 0.00047; 1000 Genomes Project 0.00060; ESP Exome Variant Server 0.00069.
gnomAD v4.1: 119 of 1,613,082 alleles (0.0074%); highest among the groups gnomAD compares: African/African-American, 0.14%; no homozygotes.

Submissions (3):

CeGaT Center for Human Genetics Tuebingen
Classification: Likely benign. Last evaluated: 2026-10-01. Review status: criteria provided, single submitter. Criteria: CeGaT Center For Human Genetics Tuebingen Variant Classification Criteria Version 2. Collection method: clinical testing. Allele origin: germline. Affected: yes. Observed: 1 variant allele.
Comment: TASP1: BP4, BP7

Blueprint Genetics
Classification: Likely benign. Last evaluated: 2023-01-18. Review status: criteria provided, single submitter. Criteria: ACMG Guidelines, 2015. Collection method: clinical testing. Allele origin: germline.

PreventionGenetics, part of Exact Sciences
Classification: Likely benign for TASP1-related condition. Last evaluated: 2020-02-26. Review status: no assertion criteria provided. Collection method: clinical testing. Allele origin: germline. Not counted in ClinVar's aggregate classification.
Comment: This variant is classified as likely benign based on ACMG/AMP sequence variant interpretation guidelines (Richards et al. 2015 PMID: 25741868, with internal and published modifications).